The following is an entry in ClinVar:

NM_000304.4(PMP22):c.460G>A (p.Val154Met)

Gene: PMP22 (peripheral myelin protein 22; minus strand). Cytogenetic location: 17p12.
Variant type: single nucleotide variant.
Coding change: c.460G>A on transcript NM_000304.4 (MANE Select); coding-DNA position 460, G replaced by A.
Protein change: p.Val154Met; replaces valine 154 with methionine.
Molecular consequence: missense variant. On other transcripts: non-coding transcript variant (2).
Genome position (GRCh38, 1-based): chr17:15,230,940, C>T on the plus strand (G>A on the coding strand, the complement: PMP22 is on the minus strand). VCF-style: chr17-15230940-C-T. GRCh37 (hg19) VCF-style: chr17-15134257-C-T.
Other names: c.460G>A, p.Val154Met (NM_001281455.2, NM_001281456.2, NM_153321.3 and 1 more transcripts); short protein forms V154M.
Identifiers: ClinVar variation 5008706 (VCV005008706.1).

ClinVar aggregate classification (germline): Uncertain significance (1 of 4 stars; one submission).

gnomAD v4.1: 2 of 1,614,112 alleles (0.00012%); highest among the groups gnomAD compares: Non-Finnish European, 0.00017%; no homozygotes.

Submission:

GeneDx
Classification: Uncertain significance. Last evaluated: 2026-02-17. Review status: criteria provided, single submitter. Criteria: GeneDx Variant Classification Process June 2021. Collection method: clinical testing. Allele origin: germline.
Comment: Not observed at significant frequency in large population cohorts (gnomAD); In silico analysis suggests that this missense variant does not alter protein structure/function; Has not been previously published as pathogenic or benign to our knowledge